The following is an entry in ClinVar:

NM_001135649.3(FOXI3):c.88C>T (p.Pro30Ser)

Gene: FOXI3 (forkhead box I3; minus strand). Cytogenetic location: 2p11.2.
Variant type: single nucleotide variant.
Coding change: c.88C>T on transcript NM_001135649.3 (MANE Select); coding-DNA position 88, C replaced by T.
Protein change: p.Pro30Ser; replaces proline 30 with serine.
Molecular consequence: missense variant.
Genome position (GRCh38, 1-based): chr2:88,452,448, G>A on the plus strand (C>T on the coding strand, the complement: FOXI3 is on the minus strand). VCF-style: chr2-88452448-G-A. GRCh37 (hg19) VCF-style: chr2-88751966-G-A.
Other names: short protein forms P30S.
Identifiers: ClinVar variation 2781302 (VCV002781302.3), dbSNP rs2528917893, ClinGen allele CA347767079.

ClinVar aggregate classification (germline): Uncertain significance (1 of 4 stars; one submission).

Submission:

Labcorp Genetics (formerly Invitae), Labcorp
Classification: Uncertain significance. Last evaluated: 2023-04-07. Review status: criteria provided, single submitter. Criteria: Invitae Variant Classification Sherloc (09022015). Collection method: clinical testing. Allele origin: germline.
Comment: The frequency data for this variant in the population databases is considered unreliable, as metrics indicate insufficient coverage at this position in the gnomAD database. This variant has not been reported in the literature in individuals affected with FOXI3-related conditions. Experimental studies and prediction algorithms are not available or were not evaluated, and the functional significance of this variant is currently unknown. In summary, the available evidence is currently insufficient to determine the role of this variant in disease. Therefore, it has been classified as a Variant of Uncertain Significance. This sequence change replaces proline, which is neutral and non-polar, with serine, which is neutral and polar, at codon 30 of the FOXI3 protein (p.Pro30Ser).